The following is an entry in ClinVar:

ClinVar aggregate classification (germline): Uncertain significance (1 of 4 stars; one submission).

Conditions:
Amyotrophic lateral sclerosis (ALS). Also called: Lou Gehrig disease; Charcot disease. Identifiers: Orphanet 803, MedGen C0002736, MONDO:0004976, HP:0007354.

gnomAD v4.1: 2 of 1,611,394 alleles (0.00012%); highest among the groups gnomAD compares: Non-Finnish European, 0.00017%; no homozygotes.

Submission:

Neurogenetics, Cyprus Institute of Neurology and Genetics
Classification: Uncertain significance for Amyotrophic lateral sclerosis. Last evaluated: 2024-08-10. Review status: criteria provided, single submitter. Criteria: ACMG Guidelines 2015. Collection method: clinical testing. Allele origin: germline. Inheritance: Autosomal dominant inheritance. Affected: yes.
Comment: GLT8D1 c.713C>G (NM_018446.4) sequence change replaces Threonine to Serine at codon 713 of Glycosyltransferase 8 domain-containing protein (p.Thr238Ser). The variant is present in extremely low frequency in gnomAD population databases (PM2). However, available data are incomplete and not able to determine the clinical significance of the variant at this time. In summary, the currently available evidence indicates that the variant is of an uncertain significance.

NM_018446.4(GLT8D1):c.713C>G (p.Thr238Ser)

Gene: GLT8D1 (glycosyltransferase 8 domain containing 1; minus strand). Cytogenetic location: 3p21.1.
Variant type: single nucleotide variant.
Coding change: c.713C>G on transcript NM_018446.4 (MANE Select); coding-DNA position 713, C replaced by G.
Protein change: p.Thr238Ser; replaces threonine 238 with serine.
Molecular consequence: missense variant.
Genome position (GRCh38, 1-based): chr3:52,695,520, G>C on the plus strand (C>G on the coding strand, the complement: GLT8D1 is on the minus strand). VCF-style: chr3-52695520-G-C. GRCh37 (hg19) VCF-style: chr3-52729536-G-C.
Other names: c.713C>G, p.Thr238Ser (NM_001010983.3, NM_001278280.2, NM_001278281.2 and 1 more transcripts); short protein forms T238S.
Identifiers: ClinVar variation 3336832 (VCV003336832.1).
Genomic context (GRCh38, chr3:52,695,520, plus strand): 5'-ATATTCTGTCGTTTCCATTCCGTCAGGTTTGCAACAAAAACTCCAGGATTAAATGAGCAA[G>C]TGCTGGCTTTCATGGAAAGCTTACGAATTCTTTCCTTTTTATAGTCAAGATAGCCAATGT-3'
Protein context (NP_060916.1, residues 228-248): RIRKLSMKAS[Thr238Ser]CSFNPGVFVA